The following is an entry in ClinVar:

ClinVar aggregate classification (germline): Uncertain significance (1 of 4 stars; one submission).

Submission:

Ambry Genetics
Classification: Uncertain significance. Last evaluated: 2023-10-20. Review status: criteria provided, single submitter. Criteria: Ambry Variant Classification Scheme 2023. Collection method: clinical testing. Allele origin: germline.
Comment: The p.V827I variant (also known as c.2479G>A), located in coding exon 14 of the PKP4 gene, results from a G to A substitution at nucleotide position 2479. The valine at codon 827 is replaced by isoleucine, an amino acid with highly similar properties. This amino acid position is conserved. In addition, the in silico prediction for this alteration is inconclusive. Since supporting evidence is limited at this time, the clinical significance of this alteration remains unclear.

NM_003628.6(PKP4):c.2479G>A (p.Val827Ile)

Genes: PKP4 (plakophilin 4; plus strand), PKP4-AS1 (PKP4 antisense RNA 1; minus strand). Cytogenetic location: 2q24.1.
Variant type: single nucleotide variant.
Coding change: c.2479G>A on transcript NM_003628.6 (MANE Select); coding-DNA position 2479, G replaced by A.
Protein change: p.Val827Ile; replaces valine 827 with isoleucine.
Molecular consequence: missense variant.
Genome position (GRCh38, 1-based): chr2:158,663,347, G>A. VCF-style: chr2-158663347-G-A. GRCh37 (hg19) VCF-style: chr2-159519859-G-A.
Other names: c.2479G>A, p.Val827Ile (NM_001005476.4, NM_001304971.2, NM_001377218.1 and 1 more transcripts); c.2476G>A, p.Val826Ile (NM_001304969.3, NM_001377219.1, NM_001377220.1 and 2 more transcripts); c.1450G>A, p.Val484Ile (NM_001304970.3); c.2473G>A, p.Val825Ile (NM_001377222.1, NM_001377223.1); c.2470G>A, p.Val824Ile (NM_001377224.1); short protein forms V484I, V824I, V825I, V826I, V827I.
Identifiers: ClinVar variation 3223506 (VCV003223506.1), dbSNP rs2529811242, ClinGen allele CA348903158.